The following is an entry in ClinVar:

NM_001370298.3(FGD4):c.2416dup (p.Gln806fs)

Gene: FGD4 (FYVE, RhoGEF and PH domain containing 4; plus strand). Cytogenetic location: 12p11.21.
Variant type: Duplication.
Coding change: c.2416dup on transcript NM_001370298.3 (MANE Select); coding-DNA position 2416, one base duplicated (C; older notation c.2416dupC).
Protein change: p.Gln806fs; shifts the reading frame from glutamine 806.
Molecular consequence: frameshift variant.
Genome position (GRCh38, 1-based): chr12:32,638,757, C duplicated. VCF-style (leftmost placement, unchanged base first): chr12-32638756-G-GC. GRCh37 (hg19) VCF-style: chr12-32791690-G-GC.
Other names: c.2260dup, p.Gln754Profs (NM_001304481.2); c.1261dup, p.Gln421fs (NM_001304483.2); c.973dup, p.Gln325fs (NM_001304484.2); c.1726dup, p.Gln576fs (NM_001330373.2, NM_001330374.2, NM_001384130.1); c.1453dup, p.Gln485fs (NM_001370297.1); c.2416dup, p.Gln806fs (NM_001384126.1); c.2005dup, p.Gln669fs (NM_001384127.1, NM_001384128.1, NM_001385118.1 and 1 more transcripts); short protein forms Q576fs, Q754fs, Q421fs, Q485fs, Q669fs, Q325fs, Q806fs.
Identifiers: ClinVar variation 450187 (VCV000450187.2), dbSNP rs1555224772, ClinGen allele CA658658126.

ClinVar aggregate classification (germline): Likely pathogenic (1 of 4 stars; one submission).

Submission:

GeneDx
Classification: Likely pathogenic. Last evaluated: 2017-07-03. Review status: criteria provided, single submitter. Criteria: GeneDx Variant Classification (06012015). Collection method: clinical testing. Allele origin: germline. Affected: yes.
Comment: A variant that is likely pathogenic has been identified in the FGD4 gene. The c.2005dupC variant has not been published as a pathogenic variant, nor has it been reported as a benign variant to our knowledge. The c.2005dupC variant is not observed in large population cohorts (Lek et al., 2016; 1000 Genomes Consortium et al., 2015; Exome Variant Server). The c.2005dupC likely pathogenic variant in the FGD4 gene causes a frameshift starting with codon Glutamine 669, changes this amino acid to a Proline residue and creates a premature Stop codon at position 30 of the new reading frame, denoted p.Q669fsX30. This variant is predicted to cause loss of normal protein function through protein truncation where the last 98 amnio acids are replaced by 29 incorrect amnio acids. Therefore, this variant is likely pathogenic; however, the possibility that it is benign cannot be excluded.